The following is an entry in ClinVar:

ClinVar aggregate classification (germline): Uncertain significance (1 of 4 stars; one submission).

gnomAD v4.1: 3 of 1,614,108 alleles (0.00019%); highest among the groups gnomAD compares: Non-Finnish European, 0.00025%; no homozygotes.

Submission:

Ambry Genetics
Classification: Uncertain significance. Last evaluated: 2025-07-25. Review status: criteria provided, single submitter. Criteria: Ambry Variant Classification Scheme 2023. Collection method: clinical testing. Allele origin: germline.
Comment: The p.E1445D variant (also known as c.4335G>T), located in coding exon 39 of the KIF1B gene, results from a G to T substitution at nucleotide position 4335. The glutamic acid at codon 1445 is replaced by aspartic acid, an amino acid with highly similar properties. This amino acid position is conserved. In addition, this alteration is predicted to be tolerated by in silico analysis. Based on the available evidence, the clinical significance of this variant remains unclear.

NM_001365951.3(KIF1B):c.4473G>T (p.Glu1491Asp)

Gene: KIF1B (kinesin family member 1B; plus strand). Cytogenetic location: 1p36.22.
Variant type: single nucleotide variant.
Coding change: c.4473G>T on transcript NM_001365951.3 (MANE Select); coding-DNA position 4473, G replaced by T.
Protein change: p.Glu1491Asp; replaces glutamic acid 1491 with aspartic acid.
Molecular consequence: missense variant.
Genome position (GRCh38, 1-based): chr1:10,365,206, G>T. VCF-style: chr1-10365206-G-T. GRCh37 (hg19) VCF-style: chr1-10425264-G-T.
Other names: c.4473G>T, p.Glu1491Asp (NM_001365952.1); c.4335G>T, p.Glu1445Asp (NM_015074.3); short protein forms E1491D, E1445D.
Identifiers: ClinVar variation 4092350 (VCV004092350.1).